The following is an entry in ClinVar:

ClinVar aggregate classification (germline): Pathogenic (1 of 4 stars; one submission).

Conditions:
Hereditary angioedema type 1 (HAE1). Identifiers: Orphanet 100050, Orphanet 100051, Orphanet 91378, MedGen C2717906, MONDO:0015053, OMIM 106100.

Submission:

DNA-diagnostics Laboratory, Research Centre For Medical Genetics
Classification: Pathogenic for Hereditary angioedema type 1. Last evaluated: 2024-07-21. Review status: criteria provided, single submitter. Criteria: ACMG Guidelines, 2015. Collection method: research. Allele origin: germline. Inheritance: Autosomal dominant inheritance. Affected: yes. Observed: 3 variant alleles, 3 heterozygotes.
Comment: According to published information (Verpy et al., 1995, Verpy et al., 1996, Pedrosa et al., 2016, Ponard et all, 2020) the c.1466C>G variant in SERPING1 meets ACMG/ClinGen SVI guidance criteria to be classified as pathogenic: PP3_Str, PP4_Str, PS4_Mod, PS3_Sup, PM2_Sup, PP2

Literature cited by the submitters: PubMed 7814636; PubMed 8755917; DOI 10.1007/s10875-015-0222-9.

NM_000062.3(SERPING1):c.1466C>G (p.Pro489Arg)

Gene: SERPING1 (serpin family G member 1; plus strand). Cytogenetic location: 11q12.1.
Variant type: single nucleotide variant.
Coding change: c.1466C>G on transcript NM_000062.3 (MANE Select); coding-DNA position 1466, C replaced by G.
Protein change: p.Pro489Arg; replaces proline 489 with arginine.
Molecular consequence: missense variant.
Genome position (GRCh38, 1-based): chr11:57,614,544, C>G. VCF-style: chr11-57614544-C-G. GRCh37 (hg19) VCF-style: chr11-57382017-C-G.
Other names: c.1466C>G, p.Pro489Arg (NM_001032295.2); short protein forms P489R.
Identifiers: ClinVar variation 3255499 (VCV003255499.2), dbSNP rs2495458627.